The following is an entry in ClinVar:

NM_007055.4(POLR3A):c.4045A>G (p.Met1349Val)

Gene: POLR3A (RNA polymerase III subunit A; minus strand). Cytogenetic location: 10q22.3.
Variant type: single nucleotide variant.
Coding change: c.4045A>G on transcript NM_007055.4 (MANE Select); coding-DNA position 4045, A replaced by G.
Protein change: p.Met1349Val; replaces methionine 1349 with valine.
Molecular consequence: missense variant.
Genome position (GRCh38, 1-based): chr10:77,977,606, T>C on the plus strand (A>G on the coding strand, the complement: POLR3A is on the minus strand). VCF-style: chr10-77977606-T-C. GRCh37 (hg19) VCF-style: chr10-79737364-T-C.
Other names: short protein forms M1349V.
Identifiers: ClinVar variation 3685910 (VCV003685910.2).

ClinVar aggregate classification (germline): Uncertain significance (1 of 4 stars; one submission).

Submission:

Labcorp Genetics (formerly Invitae), Labcorp
Classification: Uncertain significance. Last evaluated: 2025-01-07. Review status: criteria provided, single submitter. Criteria: Invitae Variant Classification Sherloc (09022015). Collection method: clinical testing. Allele origin: germline.
Comment: This sequence change replaces methionine, which is neutral and non-polar, with valine, which is neutral and non-polar, at codon 1349 of the POLR3A protein (p.Met1349Val). This variant is present in population databases (no rsID available, gnomAD 0.003%). This variant has not been reported in the literature in individuals affected with POLR3A-related conditions. Invitae Evidence Modeling of protein sequence and biophysical properties (such as structural, functional, and spatial information, amino acid conservation, physicochemical variation, residue mobility, and thermodynamic stability) indicates that this missense variant is not expected to disrupt POLR3A protein function with a negative predictive value of 80%. In summary, the available evidence is currently insufficient to determine the role of this variant in disease. Therefore, it has been classified as a Variant of Uncertain Significance.